The following is an entry in ClinVar:

ClinVar aggregate classification (germline): Benign/Likely benign. Review status: criteria provided, multiple submitters, no conflicts (2 of 4 stars). 2 submissions from 2 submitters: Benign (1); Likely benign (1). Last evaluated 2025-11-20.

Conditions:
Infantile-onset X-linked spinal muscular atrophy. Also called: AMC, DISTAL, X-LINKED; ARTHROGRYPOSIS, X-LINKED, TYPE I; Spinal muscular atrophy, X-linked 2; Spinal Muscular Atrophy, X-Linked Infantile; SPINAL MUSCULAR ATROPHY, X-LINKED LETHAL INFANTILE. Identifiers: Orphanet 1145, MedGen C1844934, MONDO:0010532, OMIM 301830.

Allele frequency attached by ClinVar (database versions not stated): ExAC 0.00009; gnomAD exomes 0.00018 and 0.00075; 1000 Genomes Project 30x 0.00042; gnomAD 0.00122 and 0.00125; TOPMed 0.00165.
gnomAD v4.1: 326 of 1,208,284 alleles (0.027%); highest among the groups gnomAD compares: Admixed American, 0.7%; 4 homozygotes.

Submissions (2):

Labcorp Genetics (formerly Invitae), Labcorp
Classification: Benign for Infantile-onset X-linked spinal muscular atrophy. Last evaluated: 2025-11-20. Review status: criteria provided, single submitter. Criteria: Invitae Variant Classification Sherloc (09022015). Collection method: clinical testing. Allele origin: germline.

GeneDx
Classification: Likely benign. Last evaluated: 2017-11-30. Review status: criteria provided, single submitter. Criteria: GeneDx Variant Classification (06012015). Collection method: clinical testing. Allele origin: germline. Affected: yes.
Comment: This variant is considered likely benign or benign based on one or more of the following criteria: it is a conservative change, it occurs at a poorly conserved position in the protein, it is predicted to be benign by multiple in silico algorithms, and/or has population frequency not consistent with disease.

NM_003334.4(UBA1):c.480+19C>G

Gene: UBA1 (ubiquitin like modifier activating enzyme 1; plus strand). Cytogenetic location: Xp11.3.
Variant type: single nucleotide variant.
Coding change: c.480+19C>G on transcript NM_003334.4 (MANE Select); 19 bases into the intron after coding-DNA position 480, C replaced by G.
Molecular consequence: intron variant.
Genome position (GRCh38, 1-based): chrX:47,199,633, C>G. VCF-style: chrX-47199633-C-G. GRCh37 (hg19) VCF-style: chrX-47059032-C-G.
Other names: c.480+19C>G (NM_153280.3).
Identifiers: ClinVar variation 513712 (VCV000513712.9), dbSNP rs200340536, ClinGen allele CA10395689.